The following is an entry in ClinVar:

NM_000017.4(ACADS):c.625G>A (p.Gly209Ser)

Gene: ACADS (acyl-CoA dehydrogenase short chain; plus strand). Cytogenetic location: 12q24.31.
Variant type: single nucleotide variant.
Coding change: c.625G>A on transcript NM_000017.4 (MANE Select); coding-DNA position 625, G replaced by A.
Protein change: p.Gly209Ser; replaces glycine 209 with serine.
Molecular consequence: missense variant.
Genome position (GRCh38, 1-based): chr12:120,738,280, G>A. VCF-style: chr12-120738280-G-A. GRCh37 (hg19) VCF-style: chr12-121176083-G-A.
Other names: G185S; p.G209S:GGC>AGC; c.613G>A, p.Gly205Ser (NM_001302554.2); short protein forms G209S, G205S.
Identifiers: ClinVar variation 3831 (VCV000003831.65), dbSNP rs1799958, ClinGen allele CA145599.

ClinVar aggregate classification (germline): Benign/Likely benign. Review status: criteria provided, multiple submitters, no conflicts (2 of 4 stars). 15 submissions from 15 submitters: Benign (8); Likely benign (5). 2 of the submissions do not count toward it. Last evaluated 2025-07-14.

Conditions:
Inborn genetic diseases. Identifiers: MedGen C0950123, MeSH D030342.
Deficiency of butyryl-CoA dehydrogenase (ACADSD). Also called: SCAD Deficiency; ACADS DEFICIENCY; SCAD DEFICIENCY, MILD; Short-Chain Acyl-CoA Dehydrogenase Deficiency; SCADH DEFICIENCY; ACYL-CoA DEHYDROGENASE, SHORT-CHAIN, DEFICIENCY OF. Identifiers: Orphanet 26792, MedGen C0342783, MONDO:0008722, OMIM 201470. Disease mechanism: May be benign.

Allele frequency attached by ClinVar (database versions not stated): 1000 Genomes Project 30x 0.18176; gnomAD 0.20997 and 0.20617; ExAC 0.25918; gnomAD exomes 0.26475 and 0.25817; 1000 Genomes Project 0.18231; TOPMed 0.20679.
gnomAD v4.1: 409,850 of 1,613,942 alleles (25%); highest among the groups gnomAD compares: Middle Eastern, 37%; 54,922 homozygotes.

Submissions (15):

ARUP Laboratories, Molecular Genetics and Genomics, ARUP Laboratories
Classification: Benign for Deficiency of butyryl-CoA dehydrogenase. Last evaluated: 2025-07-14. Review status: criteria provided, single submitter. Criteria: ARUP Molecular Germline Variant Investigation Process 2024. Collection method: clinical testing. Allele origin: germline.

Blueprint Genetics
Classification: Likely benign. Last evaluated: 2024-11-27. Review status: criteria provided, single submitter. Criteria: ACMG Guidelines, 2015. Collection method: clinical testing. Allele origin: germline.

Ambry Genetics
Classification: Likely benign for Inborn genetic diseases. Last evaluated: 2024-08-30. Review status: criteria provided, single submitter. Criteria: Ambry Variant Classification Scheme 2023. Collection method: clinical testing. Allele origin: germline.

Women's Health and Genetics/Laboratory Corporation of America, LabCorp
Classification: Likely benign. Last evaluated: 2024-02-09. Review status: criteria provided, single submitter. Criteria: LabCorp Variant Classification Summary - May 2015. Collection method: clinical testing. Allele origin: germline.

CeGaT Center for Human Genetics Tuebingen
Classification: Benign. Last evaluated: 2023-02-01. Review status: criteria provided, single submitter. Criteria: CeGaT Center For Human Genetics Tuebingen Variant Classification Criteria Version 2. Collection method: clinical testing. Allele origin: germline. Affected: yes. Observed: 1 variant allele.

Institute for Clinical Genetics, University Hospital TU Dresden, University Hospital TU Dresden
Classification: Benign. Last evaluated: 2021-11-03. Review status: criteria provided, single submitter. Criteria: ACMG Guidelines, 2015. Collection method: clinical testing. Allele origin: germline.

Labcorp Genetics (formerly Invitae), Labcorp
Classification: Benign for Deficiency of butyryl-CoA dehydrogenase. Last evaluated: 2019-12-31. Review status: criteria provided, single submitter. Criteria: Invitae Variant Classification Sherloc (09022015). Collection method: clinical testing. Allele origin: germline.

Mendelics
Classification: Likely benign for Deficiency of butyryl-CoA dehydrogenase. Last evaluated: 2019-05-28. Review status: criteria provided, single submitter. Criteria: Mendelics Assertion Criteria 2017. Collection method: clinical testing. Allele origin: unknown.

Genomic Research Center, Shahid Beheshti University of Medical Sciences
Classification: Benign. Last evaluated: 2019-01-01. Review status: criteria provided, single submitter. Criteria: ACMG Guidelines, 2015. Collection method: clinical testing. Allele origin: inherited. Affected: yes.

Illumina Laboratory Services, Illumina
Classification: Benign for Deficiency of butyryl-CoA dehydrogenase. Last evaluated: 2018-03-06. Review status: criteria provided, single submitter. Criteria: ICSL Variant Classification Criteria 13 December 2019. Collection method: clinical testing. Allele origin: germline.
Comment: This variant was observed in the ICSL laboratory as part of a predisposition screen in an ostensibly healthy population. It had not been previously curated by ICSL or reported in the Human Gene Mutation Database (HGMD: prior to June 1st, 2018), and was therefore a candidate for classification through an automated scoring system. Utilizing variant allele frequency, disease prevalence and penetrance estimates, and inheritance mode, an automated score was calculated to assess if this variant is too frequent to cause the disease. Based on the score and internal cut-off values, a variant classified as benign is not then subjected to further curation. The score for this variant resulted in a classification of benign for this disease.

GeneDx
Classification: Benign. Last evaluated: 2018-01-04. Review status: criteria provided, single submitter. Criteria: GeneDx Variant Classification (06012015). Collection method: clinical testing. Allele origin: germline. Affected: yes.
Comment: This variant is considered likely benign or benign based on one or more of the following criteria: it is a conservative change, it occurs at a poorly conserved position in the protein, it is predicted to be benign by multiple in silico algorithms, and/or has population frequency not consistent with disease.

Eurofins Ntd Llc (ga)
Classification: Benign. Last evaluated: 2013-04-16. Review status: criteria provided, single submitter. Criteria: EGL Classification Definitions 2015. Collection method: clinical testing. Allele origin: germline. Observed: 40 variant alleles, 28 heterozygotes, 12 homozygotes.

Breakthrough Genomics
Classification: Likely benign. Review status: criteria provided, single submitter. Criteria: ACMG Guidelines, 2015. Collection method: not provided. Allele origin: germline. Inheritance: Autosomal recessive inheritance. Affected: yes.

OMIM
Classification: Pathogenic for SCAD DEFICIENCY. Last evaluated: 2001-01-01. Review status: no assertion criteria provided. Collection method: literature only. Allele origin: germline. Not counted in ClinVar's aggregate classification.

GeneReviews
No classification provided. Condition: Deficiency of butyryl-CoA dehydrogenase. Review status: no classification provided. Collection method: literature only. Allele origin: germline. Affected: yes. Not counted in ClinVar's aggregate classification.

Literature cited by the submitters: PubMed 21938826 (cited by Ambry Genetics); PubMed 11134486 (cited by OMIM); PubMed 19800078 (cited by GeneReviews).